The following is an entry in ClinVar:

ClinVar aggregate classification (germline): Uncertain significance. Review status: criteria provided, multiple submitters, no conflicts (2 of 4 stars). 3 submissions from 3 submitters: Uncertain significance (3). Last evaluated 2026-02-03.

Conditions:
Autosomal recessive limb-girdle muscular dystrophy type 2Q (LGMDR17). Also called: MUSCULAR DYSTROPHY, LIMB-GIRDLE, AUTOSOMAL RECESSIVE 17. Identifiers: Orphanet 254361, MedGen C3150989, MONDO:0013390, OMIM 613723.
Epidermolysis bullosa simplex, Ogna type (EBS5A). Also called: Pidermolysis bullosa simplex 5A, Ogna type; EPIDERMOLYSIS BULLOSA SIMPLEX 5A, OGNA TYPE. Identifiers: Orphanet 79401, MedGen C0432317, MONDO:0007555, OMIM 131950.
Epidermolysis bullosa simplex with nail dystrophy (EBS5D). Identifiers: MedGen C4225309, MONDO:0014661, OMIM 616487.
Epidermolysis bullosa simplex 5C, with pyloric atresia (EBS5C). Also called: PLEC-Related Epidermolysis Bullosa with Pyloric Atresia; Epidermolysis bullosa simplex with pyloric atresia; PLEC1-Related Epidermolysis Bullosa with Pyloric Atresia. Identifiers: Orphanet 158684, MedGen C2677349, MONDO:0012807, OMIM 612138.
Epidermolysis bullosa simplex 5B, with muscular dystrophy (EBS5B). Also called: EPIDERMOLYSIS BULLOSA SIMPLEX AND LIMB-GIRDLE MUSCULAR DYSTROPHY; Epidermolysis bullosa simplex with muscular dystrophy. Identifiers: Orphanet 257, MedGen C2931072, MONDO:0009181, OMIM 226670.
PLEC-related disorder. Also called: PLEC-related condition; PLEC-related disorders.
Inborn genetic diseases. Identifiers: MedGen C0950123, MeSH D030342.

Allele frequency attached by ClinVar (database versions not stated): ExAC 0.00001; gnomAD exomes 0.00002 and 0.00003; gnomAD 0.00005; TOPMed 0.00006.
gnomAD v4.1: 44 of 1,611,458 alleles (0.0027%); highest among the groups gnomAD compares: African/African-American, 0.0053%; no homozygotes.

Submissions (3):

PreventionGenetics, part of Exact Sciences
Classification: Uncertain significance for PLEC-related condition. Last evaluated: 2026-02-03. Review status: criteria provided, single submitter. Criteria: ACMG Guidelines, 2015. Collection method: clinical testing. Allele origin: germline.
Comment: The PLEC c.13345G>A variant is predicted to result in the amino acid substitution p.Ala4449Thr. To our knowledge, this variant has not been reported in the literature. This variant is reported in 0.0085% of alleles in individuals of African descent in gnomAD. At this time, the clinical significance of this variant is uncertain due to the absence of conclusive functional and genetic evidence.

Ambry Genetics
Classification: Uncertain significance for Inborn genetic diseases. Last evaluated: 2025-11-20. Review status: criteria provided, single submitter. Criteria: Ambry Variant Classification Scheme 2023. Collection method: clinical testing. Allele origin: germline.

Labcorp Genetics (formerly Invitae), Labcorp
Classification: Uncertain significance for Autosomal recessive limb-girdle muscular dystrophy type 2Q; Epidermolysis bullosa simplex, Ogna type; Epidermolysis bullosa simplex with nail dystrophy; Epidermolysis bullosa simplex 5C, with pyloric atresia; Epidermolysis bullosa simplex 5B, with muscular dystrophy. Last evaluated: 2025-10-09. Review status: criteria provided, single submitter. Criteria: Invitae Variant Classification Sherloc (09022015). Collection method: clinical testing. Allele origin: germline.
Comment: This sequence change replaces alanine, which is neutral and non-polar, with threonine, which is neutral and polar, at codon 4449 of the PLEC protein (p.Ala4449Thr). This variant is present in population databases (rs782099999, gnomAD 0.009%). This variant has not been reported in the literature in individuals affected with PLEC-related conditions. ClinVar contains an entry for this variant (Variation ID: 859536). Invitae Evidence Modeling of protein sequence and biophysical properties (such as structural, functional, and spatial information, amino acid conservation, physicochemical variation, residue mobility, and thermodynamic stability) indicates that this missense variant is not expected to disrupt PLEC protein function with a negative predictive value of 80%. In summary, the available evidence is currently insufficient to determine the role of this variant in disease. Therefore, it has been classified as a Variant of Uncertain Significance.

NM_201384.3(PLEC):c.13264G>A (p.Ala4422Thr)

Gene: PLEC (plectin; minus strand). Cytogenetic location: 8q24.3.
Variant type: single nucleotide variant.
Coding change: c.13264G>A on transcript NM_201384.3 (MANE Select); coding-DNA position 13264, G replaced by A.
Protein change: p.Ala4422Thr; replaces alanine 4422 with threonine.
Molecular consequence: missense variant.
Genome position (GRCh38, 1-based): chr8:143,916,557, C>T on the plus strand (G>A on the coding strand, the complement: PLEC is on the minus strand). VCF-style: chr8-143916557-C-T. GRCh37 (hg19) VCF-style: chr8-144990725-C-T.
Other names: c.13345G>A (NM_000445.3); c.13345G>A, p.Ala4449Thr (NM_000445.5); c.13222G>A, p.Ala4408Thr (NM_201378.4); c.13198G>A, p.Ala4400Thr (NM_201379.3); c.13675G>A, p.Ala4559Thr (NM_201380.4); c.13168G>A, p.Ala4390Thr (NM_201381.3); c.13264G>A, p.Ala4422Thr (NM_201382.4); c.13276G>A, p.Ala4426Thr (NM_201383.3); short protein forms A4449T, A4422T, A4408T, A4559T, A4390T, A4400T, A4426T.
Identifiers: ClinVar variation 859536 (VCV000859536.10), dbSNP rs782099999, ClinGen allele CA4923859.
Genomic context (GRCh38, chr8:143,916,557, plus strand): 5'-GCTTGGTCTTAGGGCAGGTGAGGTACTTGGAGTAGGCGCCCACGTCACGCAGCTTCTGTG[C>T]GGTGCGGGCGTCCACCGTGCCGCGCTGCAGGGCCTCGTCCAGGGGCACGCGGCCCGGCGT-3'
Protein context (NP_958786.1, residues 4412-4432): LQRGTVDART[Ala4422Thr]QKLRDVGAYS